The following is an entry in ClinVar:

NM_058004.4(PI4KA):c.3444C>T (p.Arg1148=)

Gene: PI4KA (phosphatidylinositol 4-kinase alpha; minus strand). Cytogenetic location: 22q11.21.
Variant type: single nucleotide variant.
Coding change: c.3444C>T on transcript NM_058004.4 (MANE Select); coding-DNA position 3444, C replaced by T.
Protein change: p.Arg1148=; no amino-acid change (arginine 1148 retained).
Molecular consequence: synonymous variant. On other transcripts: intron variant (1).
Genome position (GRCh38, 1-based): chr22:20,744,640, G>A on the plus strand (C>T on the coding strand, the complement: PI4KA is on the minus strand). VCF-style: chr22-20744640-G-A. GRCh37 (hg19) VCF-style: chr22-21098928-G-A.
Other names: c.3378C>T, p.Arg1126= (NM_001362863.2); c.3364-1876C>T (NM_001362862.2).
Identifiers: ClinVar variation 4990711 (VCV004990711.1).

ClinVar aggregate classification (germline): Likely benign (1 of 4 stars; one submission).

Conditions:
PI4KA-related disorder. Also called: PI4KA-related disorders; PI4KA-related condition. Identifiers: MedGen CN378147, MONDO:1040012.

Submission:

PreventionGenetics, part of Exact Sciences
Classification: Likely benign for PI4KA-related condition. Last evaluated: 2025-04-07. Review status: criteria provided, single submitter. Criteria: ACMG Guidelines, 2015. Collection method: clinical testing. Allele origin: germline.
Comment: This variant is classified as likely benign based on ACMG/AMP sequence variant interpretation guidelines (Richards et al. 2015 PMID: 25741868, with internal and published modifications).